The following is an entry in ClinVar:

NM_004304.5(ALK):c.2596T>C (p.Ser866Pro)

Gene: ALK (ALK receptor tyrosine kinase; minus strand). Cytogenetic location: 2p23.2.
Variant type: single nucleotide variant.
Coding change: c.2596T>C on transcript NM_004304.5 (MANE Select); coding-DNA position 2596, T replaced by C.
Protein change: p.Ser866Pro; replaces serine 866 with proline.
Molecular consequence: missense variant.
Genome position (GRCh38, 1-based): chr2:29,232,340, A>G on the plus strand (T>C on the coding strand, the complement: ALK is on the minus strand). VCF-style: chr2-29232340-A-G. GRCh37 (hg19) VCF-style: chr2-29455206-A-G.
Other names: short protein forms S866P.
Identifiers: ClinVar variation 538177 (VCV000538177.10), dbSNP rs1553396171, ClinGen allele CA346471645.

ClinVar aggregate classification (germline): Uncertain significance. Review status: criteria provided, multiple submitters, no conflicts (2 of 4 stars). 2 submissions from 2 submitters: Uncertain significance (2). Last evaluated 2025-10-13.

Conditions:
Hereditary cancer-predisposing syndrome. Also called: Neoplastic Syndromes, Hereditary; Tumor predisposition; Hereditary Cancer Syndrome; Hereditary neoplastic syndrome. Identifiers: Orphanet 140162, MedGen C0027672, MeSH D009386, MONDO:0015356.
Neuroblastoma, susceptibility to, 3. Also called: ALK-Related Neuroblastic Tumor Susceptibility. Identifiers: Orphanet 635, MedGen C2751681, MONDO:0013083, OMIM 613014.

Allele frequency attached by ClinVar (database versions not stated): TOPMed below 0.00001.
gnomAD v4.1: 1 of 1,614,224 alleles (0.000062%); highest among the groups gnomAD compares: Non-Finnish European, 0.000085%; no homozygotes.

Submissions (2):

Labcorp Genetics (formerly Invitae), Labcorp
Classification: Uncertain significance for Neuroblastoma, susceptibility to, 3. Last evaluated: 2025-10-13. Review status: criteria provided, single submitter. Criteria: Invitae Variant Classification Sherloc (09022015). Collection method: clinical testing. Allele origin: germline.
Comment: This sequence change replaces serine, which is neutral and polar, with proline, which is neutral and non-polar, at codon 866 of the ALK protein (p.Ser866Pro). This variant is not present in population databases (gnomAD no frequency). This variant has not been reported in the literature in individuals affected with ALK-related conditions. ClinVar contains an entry for this variant (Variation ID: 538177). An algorithm developed to predict the effect of missense changes on protein structure and function (PolyPhen-2) suggests that this variant is likely to be disruptive. In summary, the available evidence is currently insufficient to determine the role of this variant in disease. Therefore, it has been classified as a Variant of Uncertain Significance.

Ambry Genetics
Classification: Uncertain significance for Hereditary cancer-predisposing syndrome. Last evaluated: 2025-09-21. Review status: criteria provided, single submitter. Criteria: Ambry Variant Classification Scheme 2023. Collection method: clinical testing. Allele origin: germline.
Comment: The p.S866P variant (also known as c.2596T>C), located in coding exon 15 of the ALK gene, results from a T to C substitution at nucleotide position 2596. The serine at codon 866 is replaced by proline, an amino acid with similar properties. This amino acid position is conserved. In addition, the in silico prediction for this alteration is inconclusive. Based on the available evidence, the clinical significance of this variant remains unclear.